The following is an entry in ClinVar:

ClinVar aggregate classification (germline): Uncertain significance (1 of 4 stars; one submission).

Conditions:
Acute myeloid leukemia (AML). Also called: Acute myeloid leukemia, adult; AML adult; Acute non-lymphocytic leukemia; Acute granulocytic leukemia; Leukemia, acute myeloid, somatic; Leukemia, acute myelogenous, somatic. Identifiers: Orphanet 519, MedGen C0023467, MeSH D015470, MONDO:0018874, OMIM 601626, HP:0004808. Disease mechanism: Constitutively activated FLT3.

Allele frequency attached by ClinVar (database versions not stated): gnomAD 0.00001; 1000 Genomes Project 30x 0.00016.

Submission:

Labcorp Genetics (formerly Invitae), Labcorp
Classification: Uncertain significance for Acute myeloid leukemia. Last evaluated: 2024-04-22. Review status: criteria provided, single submitter. Criteria: Invitae Variant Classification Sherloc (09022015). Collection method: clinical testing. Allele origin: germline.
Comment: This sequence change replaces serine, which is neutral and polar, with leucine, which is neutral and non-polar, at codon 3 of the CEBPA protein (p.Ser3Leu). This variant is not present in population databases (gnomAD no frequency). This variant has not been reported in the literature in individuals affected with CEBPA-related conditions. An algorithm developed to predict the effect of missense changes on protein structure and function (PolyPhen-2) suggests that this variant is likely to be tolerated. In summary, the available evidence is currently insufficient to determine the role of this variant in disease. Therefore, it has been classified as a Variant of Uncertain Significance.

NM_004364.5(CEBPA):c.8C>T (p.Ser3Leu)

Genes: CEBPA (CCAAT enhancer binding protein alpha; minus strand), LOC130064183 (ATAC-STARR-seq lymphoblastoid silent region 10495; plus strand). Cytogenetic location: 19q13.11.
Variant type: single nucleotide variant.
Coding change: c.8C>T on transcript NM_004364.5 (MANE Select); coding-DNA position 8, C replaced by T.
Protein change: p.Ser3Leu; replaces serine 3 with leucine.
Molecular consequence: missense variant. On other transcripts: 5 prime UTR variant (2).
Genome position (GRCh38, 1-based): chr19:33,302,407, G>A on the plus strand (C>T on the coding strand, the complement: CEBPA is on the minus strand). VCF-style: chr19-33302407-G-A. GRCh37 (hg19) VCF-style: chr19-33793313-G-A.
Other names: c.-350C>T (NM_001285829.2); c.113C>T, p.Ser38Leu (NM_001287424.2); c.-35C>T (NM_001287435.2); short protein forms S38L, S3L.
Identifiers: ClinVar variation 3000853 (VCV003000853.3), dbSNP rs2145265139, ClinGen allele CA405275875.